The following is an entry in ClinVar:

ClinVar aggregate classification (germline): Likely benign (1 of 4 stars; one submission).

Allele frequency attached by ClinVar (database versions not stated): gnomAD exomes below 0.00001; TOPMed below 0.00001; ExAC 0.00001; gnomAD 0.00001; 1000 Genomes Project 30x 0.00016; 1000 Genomes Project 0.00020.
gnomAD v4.1: 5 of 1,609,320 alleles (0.00031%); highest among the groups gnomAD compares: Non-Finnish European, 0.00034%; no homozygotes.

Submission:

CeGaT Center for Human Genetics Tuebingen
Classification: Likely benign. Last evaluated: 2023-11-01. Review status: criteria provided, single submitter. Criteria: CeGaT Center For Human Genetics Tuebingen Variant Classification Criteria Version 2. Collection method: clinical testing. Allele origin: germline. Affected: yes. Observed: 1 variant allele.
Comment: ADAMTS19: BP4, BP7

NM_133638.6(ADAMTS19):c.765C>T (p.Leu255=)

Gene: ADAMTS19 (ADAM metallopeptidase with thrombospondin type 1 motif 19; plus strand). Cytogenetic location: 5q23.3.
Variant type: single nucleotide variant.
Coding change: c.765C>T on transcript NM_133638.6 (MANE Select); coding-DNA position 765, C replaced by T.
Protein change: p.Leu255=; no amino-acid change (leucine 255 retained).
Molecular consequence: synonymous variant.
Genome position (GRCh38, 1-based): chr5:129,509,094, C>T. VCF-style: chr5-129509094-C-T. GRCh37 (hg19) VCF-style: chr5-128844787-C-T.
Identifiers: ClinVar variation 2673025 (VCV002673025.23), dbSNP rs562455660, ClinGen allele CA3397265.